The following is an entry in ClinVar:

ClinVar aggregate classification (germline): Uncertain significance (1 of 4 stars; one submission).

Conditions:
Neurofibromatosis, type 1 (NF1). Also called: VON RECKLINGHAUSEN DISEASE; NEUROFIBROMATOSIS, TYPE I, SOMATIC; Neurofibromatosis, type I; Peripheral type neurofibromatosis. Identifiers: Orphanet 636, MedGen C0027831, MONDO:0018975, OMIM 162200. Disease mechanism: loss of function.

Submission:

Labcorp Genetics (formerly Invitae), Labcorp
Classification: Uncertain significance for Neurofibromatosis, type 1. Last evaluated: 2022-09-20. Review status: criteria provided, single submitter. Criteria: Invitae Variant Classification Sherloc (09022015). Collection method: clinical testing. Allele origin: germline.
Comment: In summary, the available evidence is currently insufficient to determine the role of this variant in disease. Therefore, it has been classified as a Variant of Uncertain Significance. Experimental studies and prediction algorithms are not available or were not evaluated, and the functional significance of this variant is currently unknown. This variant has not been reported in the literature in individuals affected with NF1-related conditions. This variant is not present in population databases (gnomAD no frequency). This sequence change creates a premature translational stop signal (p.Ser2763Thrfs*16) in the NF1 gene. While this is not anticipated to result in nonsense mediated decay, it is expected to disrupt the last 56 amino acid(s) of the NF1 protein.

NM_001042492.3(NF1):c.8350_8351del (p.Ser2784fs)

Gene: NF1 (neurofibromin 1; plus strand). Cytogenetic location: 17q11.2.
Variant type: Deletion.
Coding change: c.8350_8351del on transcript NM_001042492.3 (MANE Select); coding-DNA positions 8350 to 8351, 2 bases deleted (TC; older notation c.8350_8351delTC).
Protein change: p.Ser2784fs; shifts the reading frame from serine 2784.
Molecular consequence: frameshift variant.
Genome position (GRCh38, 1-based): chr17:31,360,676-31,360,677, TC deleted; deleting any 2 consecutive bases within chr17:31,360,675-31,360,677 gives the same sequence; the c. name uses the placement nearest the transcript's 3' end. VCF-style (leftmost placement, unchanged base first): chr17-31360674-CCT-C. GRCh37 (hg19) VCF-style: chr17-29687692-CCT-C.
Other names: c.8287_8288delTC, p.Ser2763Thrfs (NM_000267.4); short protein forms S2763fs, S2784fs.
Identifiers: ClinVar variation 2031393 (VCV002031393.4), dbSNP rs2508843743, ClinGen allele CA2580093024.